The following is an entry in ClinVar:

NM_003742.4(ABCB11):c.3594T>C (p.His1198=)

Gene: ABCB11 (ATP binding cassette subfamily B member 11; minus strand). Cytogenetic location: 2q31.1.
Variant type: single nucleotide variant.
Coding change: c.3594T>C on transcript NM_003742.4 (MANE Select); coding-DNA position 3594, T replaced by C.
Protein change: p.His1198=; no amino-acid change (histidine 1198 retained).
Molecular consequence: synonymous variant.
Genome position (GRCh38, 1-based): chr2:168,927,180, A>G on the plus strand (T>C on the coding strand, the complement: ABCB11 is on the minus strand). VCF-style: chr2-168927180-A-G. GRCh37 (hg19) VCF-style: chr2-169783690-A-G.
Identifiers: ClinVar variation 3045210 (VCV003045210.2), dbSNP rs2545236535, ClinGen allele CA429912777.
Genomic context (GRCh38, chr2:168,927,180, plus strand): 5'-GTCTCTCATAGGGAATGGCTCTGACTTCGTACTCACCTCTGGGAGTGACATGACAAAATC[A>G]TGCAGCTGAGCCTGTTTTGCAGCTGCTATGACTCTTTCCATGGGAATTTCTTTGGTGTTG-3'
Protein context (NP_003733.2, residues 1188-1208): VIAAAKQAQL[His1198=]DFVMSLPEKY

ClinVar aggregate classification (germline): Likely benign (0 of 4 stars; one submission).

Conditions:
ABCB11-related disorder. Also called: ABCB11-related condition.

Submission:

PreventionGenetics, part of Exact Sciences
Classification: Likely benign for ABCB11-related condition. Last evaluated: 2022-10-18. Review status: no assertion criteria provided. Collection method: clinical testing. Allele origin: germline.
Comment: This variant is classified as likely benign based on ACMG/AMP sequence variant interpretation guidelines (Richards et al. 2015 PMID: 25741868, with internal and published modifications).